The following is an entry in ClinVar:

ClinVar aggregate classification (germline): Uncertain significance (1 of 4 stars; one submission).

Submission:

Labcorp Genetics (formerly Invitae), Labcorp
Classification: Uncertain significance. Last evaluated: 2025-05-27. Review status: criteria provided, single submitter. Criteria: Invitae Variant Classification Sherloc (09022015). Collection method: clinical testing. Allele origin: germline.
Comment: This sequence change affects codon 878 of the MAGEL2 mRNA. It is a 'silent' change, meaning that it does not change the encoded amino acid sequence of the MAGEL2 protein. This variant is present in population databases (rs757335294, gnomAD 0.006%). This variant has not been reported in the literature in individuals affected with MAGEL2-related conditions. In summary, the available evidence is currently insufficient to determine the role of this variant in disease. Therefore, it has been classified as a Variant of Uncertain Significance.

NM_019066.5(MAGEL2):c.2634G>T (p.Pro878=)

Gene: MAGEL2 (MAGE family member L2; minus strand). Cytogenetic location: 15q11.2.
Variant type: single nucleotide variant.
Coding change: c.2634G>T on transcript NM_019066.5 (MANE Select); coding-DNA position 2634, G replaced by T.
Protein change: p.Pro878=; no amino-acid change (proline 878 retained).
Molecular consequence: synonymous variant.
Genome position (GRCh38, 1-based): chr15:23,645,109, C>A on the plus strand (G>T on the coding strand, the complement: MAGEL2 is on the minus strand). VCF-style: chr15-23645109-C-A. GRCh37 (hg19) VCF-style: chr15-23890256-C-A.
Identifiers: ClinVar variation 4761496 (VCV004761496.1).